The following is an entry in ClinVar:

NM_001399.5(EDA):c.611G>A (p.Gly204Glu)

Gene: EDA (ectodysplasin A; plus strand). Cytogenetic location: Xq13.1.
Variant type: single nucleotide variant.
Coding change: c.611G>A on transcript NM_001399.5 (MANE Select); coding-DNA position 611, G replaced by A.
Protein change: p.Gly204Glu; replaces glycine 204 with glutamic acid.
Molecular consequence: missense variant.
Genome position (GRCh38, 1-based): chrX:70,027,941, G>A. VCF-style: chrX-70027941-G-A. GRCh37 (hg19) VCF-style: chrX-69247791-G-A.
Other names: c.611G>A, p.Gly204Glu (NM_001005609.2, NM_001005612.3); short protein forms G204E.
Identifiers: ClinVar variation 2073434 (VCV002073434.4), dbSNP rs2520334969, ClinGen allele CA413448345.

ClinVar aggregate classification (germline): Likely pathogenic (1 of 4 stars; one submission).

Conditions:
Hypohidrotic X-linked ectodermal dysplasia (XHED). Also called: ECTODERMAL DYSPLASIA, HYPOHIDROTIC, 1; CST SYNDROME; Christ-Siemans-Touraine syndrome; Ectodermal Dysplasia 1, Anhidrotic; Anhidrotic ectodermal dysplasia X-linked; Christ Siemens Touraine syndrome. Identifiers: Orphanet 181, Orphanet 238468, MedGen C0162359, MONDO:0010585, OMIM 305100.

Submission:

Labcorp Genetics (formerly Invitae), Labcorp
Classification: Likely pathogenic for Hypohidrotic X-linked ectodermal dysplasia. Last evaluated: 2022-01-03. Review status: criteria provided, single submitter. Criteria: Invitae Variant Classification Sherloc (09022015). Collection method: clinical testing. Allele origin: germline.
Comment: This variant has not been reported in the literature in individuals affected with EDA-related conditions. Advanced modeling of protein sequence and biophysical properties (such as structural, functional, and spatial information, amino acid conservation, physicochemical variation, residue mobility, and thermodynamic stability) performed at Invitae indicates that this missense variant is expected to disrupt EDA protein function. This variant disrupts the p.Gly204 amino acid residue in EDA. Other variant(s) that disrupt this residue have been determined to be pathogenic (Invitae). This suggests that this residue is clinically significant, and that variants that disrupt this residue are likely to be disease-causing. In summary, the currently available evidence indicates that the variant is pathogenic, but additional data are needed to prove that conclusively. Therefore, this variant has been classified as Likely Pathogenic. This variant is not present in population databases (gnomAD no frequency). This sequence change replaces glycine, which is neutral and non-polar, with glutamic acid, which is acidic and polar, at codon 204 of the EDA protein (p.Gly204Glu).